The following is an entry in ClinVar:

ClinVar aggregate classification (germline): Uncertain significance. Review status: criteria provided, multiple submitters, no conflicts (2 of 4 stars). 2 submissions from 2 submitters: Uncertain significance (2). Last evaluated 2024-09-26.

Conditions:
MEGF8-related Carpenter syndrome. Also called: Carpenter syndrome 2. Identifiers: Orphanet 65759, MedGen C3554247, MONDO:0013998, OMIM 614976.
Inborn genetic diseases. Identifiers: MedGen C0950123, MeSH D030342.

Allele frequency attached by ClinVar (database versions not stated): gnomAD 0.00001; gnomAD exomes 0.00003 and 0.00015; TOPMed 0.00006; ExAC 0.00017.

Submissions (2):

Ambry Genetics
Classification: Uncertain significance for Inborn genetic diseases. Last evaluated: 2024-09-26. Review status: criteria provided, single submitter. Criteria: Ambry Variant Classification Scheme 2023. Collection method: clinical testing. Allele origin: germline.

Labcorp Genetics (formerly Invitae), Labcorp
Classification: Uncertain significance for MEGF8-related Carpenter syndrome. Last evaluated: 2022-11-22. Review status: criteria provided, single submitter. Criteria: Invitae Variant Classification Sherloc (09022015). Collection method: clinical testing. Allele origin: germline.
Comment: In summary, the available evidence is currently insufficient to determine the role of this variant in disease. Therefore, it has been classified as a Variant of Uncertain Significance. Algorithms developed to predict the effect of missense changes on protein structure and function are either unavailable or do not agree on the potential impact of this missense change (SIFT: "Tolerated"; PolyPhen-2: "Possibly Damaging"; Align-GVGD: "Class C0"). ClinVar contains an entry for this variant (Variation ID: 934753). This variant has not been reported in the literature in individuals affected with MEGF8-related conditions. This variant is present in population databases (rs749669318, gnomAD 0.1%). This sequence change replaces arginine, which is basic and polar, with histidine, which is basic and polar, at codon 1439 of the MEGF8 protein (p.Arg1439His).

NM_001271938.2(MEGF8):c.4517G>A (p.Arg1506His)

Gene: MEGF8 (multiple EGF like domains 8; plus strand). Cytogenetic location: 19q13.2.
Variant type: single nucleotide variant.
Coding change: c.4517G>A on transcript NM_001271938.2 (MANE Select); coding-DNA position 4517, G replaced by A.
Protein change: p.Arg1506His; replaces arginine 1506 with histidine.
Molecular consequence: missense variant.
Genome position (GRCh38, 1-based): chr19:42,356,348, G>A. VCF-style: chr19-42356348-G-A. GRCh37 (hg19) VCF-style: chr19-42860500-G-A.
Other names: c.4316G>A, p.Arg1439His (NM_001410.3); short protein forms R1439H, R1506H.
Identifiers: ClinVar variation 934753 (VCV000934753.8), dbSNP rs749669318, ClinGen allele CA9475307.